The following is an entry in ClinVar:

ClinVar aggregate classification (germline): Benign/Likely benign. Review status: criteria provided, multiple submitters, no conflicts (2 of 4 stars). 2 submissions from 2 submitters: Benign (1); Likely benign (1). Last evaluated 2026-08-18.

Conditions:
DICER1-related tumor predisposition. Also called: DICER1-related pleuropulmonary blastoma cancer predisposition syndrome; DICER1 syndrome. Identifiers: Orphanet 284343, MedGen C3839822, MONDO:0100216.

gnomAD v4.1: 1 of 1,614,054 alleles (0.000062%); highest among the groups gnomAD compares: Non-Finnish European, 0.000085%; no homozygotes.

Submissions (2):

Myriad Genetics, Inc.
Classification: Benign for DICER1-related tumor predisposition. Last evaluated: 2026-08-18. Review status: criteria provided, single submitter. Criteria: Myriad Autosomal Dominant, Autosomal Recessive and X-Linked Classification Criteria (2023). Collection method: clinical testing. Allele origin: unknown.
Comment: This variant is considered benign. This variant is a silent/synonymous amino acid change and it is not expected to impact splicing.

Labcorp Genetics (formerly Invitae), Labcorp
Classification: Likely benign for DICER1-related tumor predisposition. Last evaluated: 2022-11-09. Review status: criteria provided, single submitter. Criteria: Invitae Variant Classification Sherloc (09022015). Collection method: clinical testing. Allele origin: germline.

NM_177438.3(DICER1):c.4795C>A (p.Arg1599=)

Gene: DICER1 (dicer 1, ribonuclease III; minus strand). Cytogenetic location: 14q32.13.
Variant type: single nucleotide variant.
Coding change: c.4795C>A on transcript NM_177438.3 (MANE Select); coding-DNA position 4795, C replaced by A.
Protein change: p.Arg1599=; no amino-acid change (arginine 1599 retained).
Molecular consequence: synonymous variant.
Genome position (GRCh38, 1-based): chr14:95,096,125, G>T on the plus strand (C>A on the coding strand, the complement: DICER1 is on the minus strand). VCF-style: chr14-95096125-G-T. GRCh37 (hg19) VCF-style: chr14-95562462-G-T.
Other names: c.4795C>A, p.Arg1599= (NM_001195573.1, NM_001271282.3, NM_001291628.2 and 1 more transcripts).
Identifiers: ClinVar variation 1643047 (VCV001643047.10), dbSNP rs587778230, ClinGen allele CA487844193.